The following is an entry in ClinVar:

ClinVar aggregate classification (germline): Uncertain significance (1 of 4 stars; one submission).

Conditions:
Adenylosuccinate lyase deficiency (ADSLD). Also called: ADSL DEFICIENCY. Identifiers: Orphanet 46, MedGen C0268126, MONDO:0007068, OMIM 103050.

Submission:

Labcorp Genetics (formerly Invitae), Labcorp
Classification: Uncertain significance for Adenylosuccinate lyase deficiency. Last evaluated: 2022-06-20. Review status: criteria provided, single submitter. Criteria: Invitae Variant Classification Sherloc (09022015). Collection method: clinical testing. Allele origin: germline.
Comment: This variant has not been reported in the literature in individuals affected with ADSL-related conditions. This variant is not present in population databases (gnomAD no frequency). This sequence change replaces asparagine, which is neutral and polar, with aspartic acid, which is acidic and polar, at codon 274 of the ADSL protein (p.Asn274Asp). Algorithms developed to predict the effect of missense changes on protein structure and function are either unavailable or do not agree on the potential impact of this missense change (SIFT: "Tolerated"; PolyPhen-2: "Possibly Damaging"; Align-GVGD: "Class C0"). In summary, the available evidence is currently insufficient to determine the role of this variant in disease. Therefore, it has been classified as a Variant of Uncertain Significance. Algorithms developed to predict the effect of sequence changes on RNA splicing suggest that this variant may create or strengthen a splice site.

NM_000026.4(ADSL):c.820A>G (p.Asn274Asp)

Gene: ADSL (adenylosuccinate lyase; plus strand). Cytogenetic location: 22q13.1.
Variant type: single nucleotide variant.
Coding change: c.820A>G on transcript NM_000026.4 (MANE Select); coding-DNA position 820, A replaced by G.
Protein change: p.Asn274Asp; replaces asparagine 274 with aspartic acid.
Molecular consequence: missense variant. On other transcripts: non-coding transcript variant (1).
Genome position (GRCh38, 1-based): chr22:40,361,300, A>G. VCF-style: chr22-40361300-A-G. GRCh37 (hg19) VCF-style: chr22-40757304-A-G.
Other names: c.820A>G, p.Asn274Asp (NM_001123378.3, NM_001363840.3); c.628A>G, p.Asn210Asp (NM_001317923.2); short protein forms N274D, N210D.
Identifiers: ClinVar variation 1432188 (VCV001432188.8), dbSNP rs2146662052, ClinGen allele CA411643546.
Genomic context (GRCh38, chr22:40,361,300, plus strand): 5'-GTGGGGTGATGCTTATTCCCCTACCTCCCCCAGATTTGCACCGACATACGCCTCCTGGCA[A>G]ACCTCAAGGAGATGGAGGAACCCTTTGAAAAACAGCAGATTGGTGAGTGCTGTGTAGAGA-3'
Protein context (NP_000017.1, residues 264-284): KICTDIRLLA[Asn274Asp]LKEMEEPFEK